The following is an entry in ClinVar:

ClinVar aggregate classification (germline): Likely benign. Review status: reviewed by expert panel (3 of 4 stars). 15 submissions from 15 submitters: Likely benign (1). 14 of the submissions do not count toward it. Last evaluated 2013-09-05.

Conditions:
MSH6-related disorder. Also called: MSH6-related condition; MSH6-Related disorders.
Mismatch repair cancer syndrome 3. Identifiers: MedGen C5436807, MONDO:0030841, OMIM 619097.
Lynch syndrome 5 (LYNCH5). Also called: Hereditary non-polyposis colorectal cancer, type 5; Colorectal cancer, hereditary nonpolyposis, type 5. Identifiers: Orphanet 144, MedGen C1833477, MONDO:0013710, OMIM 614350. Disease mechanism: loss of function.
Endometrial carcinoma. Also called: Endometrial carcinoma, somatic. Identifiers: MedGen C0476089, MONDO:0002447, OMIM 608089, HP:0012114.
Hereditary nonpolyposis colorectal neoplasms. Identifiers: MedGen C0009405, MeSH D003123.
Hereditary cancer-predisposing syndrome. Also called: Hereditary Cancer Syndrome; Tumor predisposition; Neoplastic Syndromes, Hereditary; Hereditary neoplastic syndrome. Identifiers: Orphanet 140162, MedGen C0027672, MeSH D009386, MONDO:0015356.
Lynch syndrome. Identifiers: Orphanet 144, MedGen C4552100, MONDO:0005835. Disease mechanism: loss of function.

Allele frequency attached by ClinVar (database versions not stated): ExAC 0.00002; TOPMed 0.00003; gnomAD exomes 0.00004 and 0.00009; gnomAD 0.00005 and 0.00006.
gnomAD v4.1: 147 of 1,614,104 alleles (0.0091%); highest among the groups gnomAD compares: Non-Finnish European, 0.011%; no homozygotes.

Submissions 1 to 10 of 15:

International Society for Gastrointestinal Hereditary Tumours (InSiGHT)
Classification: Likely benign for Lynch Syndrome. Last evaluated: 2013-09-05. Review status: reviewed by expert panel. Criteria: Guidelines v1.9. Collection method: research. Allele origin: germline.
Comment: Multifactorial likelihood analysis posterior probability 0.001-0.049

Classified with v1.9 guidelines

Labcorp Genetics (formerly Invitae), Labcorp
Classification: Likely benign for Hereditary nonpolyposis colorectal neoplasms. Last evaluated: 2025-12-08. Review status: criteria provided, single submitter. Criteria: Invitae Variant Classification Sherloc (09022015). Collection method: clinical testing. Allele origin: germline. Not counted in ClinVar's aggregate classification.

PreventionGenetics, part of Exact Sciences
Classification: Likely benign for MSH6-related condition. Last evaluated: 2025-12-05. Review status: criteria provided, single submitter. Criteria: ACMG Guidelines, 2015. Collection method: clinical testing. Allele origin: germline. Not counted in ClinVar's aggregate classification.
Comment: This variant is classified as likely benign based on ACMG/AMP sequence variant interpretation guidelines (Richards et al. 2015 PMID: 25741868, with internal and published modifications).

Color Diagnostics, LLC DBA Color Health
Classification: Likely benign for Hereditary cancer-predisposing syndrome. Last evaluated: 2025-11-06. Review status: criteria provided, single submitter. Criteria: ACMG Guidelines, 2015. Collection method: clinical testing. Allele origin: germline. Not counted in ClinVar's aggregate classification.

Quest Diagnostics Nichols Institute San Juan Capistrano
Classification: Uncertain significance. Last evaluated: 2025-10-08. Review status: criteria provided, single submitter. Criteria: Quest Diagnostics criteria. Collection method: clinical testing. Allele origin: unknown. Not counted in ClinVar's aggregate classification.
Comment: The MSH6 c.1019T>C (p.Phe340Ser) variant has been reported in the published literature in in individuals with colorectal cancer (PMID: 34326862 (2021), 10699937 (2000)), endometrial cancer (PMID: 32694065 (2020)), and breast cancer (PMID: 33471991 (2021), see also LOVD). This variant has also been identified in reportedly unaffected individuals (PMID: 33471991 (2021), see also LOVD). This variant has been assessed to have no effect on mismatch repair activity using an invitro mismatch repair activity assay (PMID: 31965077 (2020)). Several bioinformatic prediction algorithms have classified this variant as a neutral or likely not pathogenic variant (PMID: 22290698 (2012), 23621914 (2013), 22949379 (2013)). The frequency of this variant in the general population (Genome Aggregation Database) is uninformative in the assessment of its pathogenicity. Analysis of this variant using bioinformatics tools for the prediction of the effect of amino acid changes on protein structure and function yielded conflicting predictions that this variant is deleterious or benign. Based on the available information, we are unable to determine the clinical significance of this variant.

Molecular Diagnostics Laboratory, Catalan Institute of Oncology
Classification: Likely benign for Hereditary cancer-predisposing syndrome. Last evaluated: 2025-01-13. Review status: criteria provided, single submitter. Criteria: MMR VCEP Paper Draft V3.1. Collection method: clinical testing. Allele origin: germline. Not counted in ClinVar's aggregate classification.
Comment: BS3_Supporting, BP4 c.1019T>C located in exon 4 of the MSH6 gene, is predicted to result in the substitution of phenylalanine by serine at codon 4, p.(Phe340Ser). This variant is found in 7/118040, at a frequency of 0.006% in the gnomAD v2.1.1 database, non-cancer data set. Computational tools for this variant suggests no significant impact on splicing and does not affect the protein function (MAPP+PolyPhen-2 prior probability for pathogenicity: 0.002)(BP4). This alteration has been reported in the calibrated functional assay CIMRA with functional Odds for Pathogenicity 0.126 (PMID: 31965077)(BS3_Supporting). This variant has been reported in an individual affected with colorectal cancer whose tumor showed low microsatellite instability and normal MSH6 immunohistochemistry (PMID: 10699937). In addition, the variant was classified as likely benign in the Insight database based on multifactorial likelihood analysis posterior probability (0.011), and reported in ClinVar (6x uncertain significance, 1x benign, 3x likely benign) and LOVD (1x likely benign, 2x uncertain significance, 2x not classified). Based on currently available information, the variant c.1019T>C is classified as a likely benign variant according to ClinGen-MMR Guidelines Draft v3.1.

Myriad Genetics, Inc.
Classification: Likely benign for Lynch syndrome 5. Last evaluated: 2024-12-20. Review status: criteria provided, single submitter. Criteria: Myriad Autosomal Dominant, Autosomal Recessive and X-Linked Classification Criteria (2023). Collection method: clinical testing. Allele origin: unknown. Not counted in ClinVar's aggregate classification.
Comment: This variant is considered likely benign. This variant is strongly associated with less severe personal and family histories of cancer, typical for individuals without pathogenic variants in this gene [PMID: 27363726].

Department of Pathology and Laboratory Medicine, Sinai Health System
Classification: Uncertain significance for Endometrial carcinoma; Lynch syndrome 5; Mismatch repair cancer syndrome 3. Last evaluated: 2023-10-06. Review status: criteria provided, single submitter. Criteria: ACMG Guidelines, 2015. Collection method: clinical testing. Allele origin: germline. Affected: no. Not counted in ClinVar's aggregate classification.

Women's Health and Genetics/Laboratory Corporation of America, LabCorp
Classification: Uncertain significance. Last evaluated: 2022-08-04. Review status: criteria provided, single submitter. Criteria: LabCorp Variant Classification Summary - May 2015. Collection method: clinical testing. Allele origin: germline. Not counted in ClinVar's aggregate classification.
Comment: Variant summary: MSH6 c.1019T>C (p.Phe340Ser) results in a non-conservative amino acid change in the encoded protein sequence. Three of five in-silico tools predict a benign effect of the variant on protein function. A MMR missense classifier tool called PON-MMR prediction method (pathogenic-or-not mismatch repair) classifies this variant as neutral (example, Ali_2012). The variant allele was found at a frequency of 3.6e-05 in 251320 control chromosomes. The available data on variant occurrences in the general population are insufficient to allow any conclusion about variant significance. c.1019T>C has been reported in the literature in individuals affected with colorectal cancer and/or endometrial cancer (example, Plaschke_2000, Rosa_2020). These report(s) do not provide unequivocal conclusions about association of the variant with Lynch Syndrome. Furthermore, a multifactorial probability based assessment reports this variant with a final classification of "Likely not Pathogenic" (IARC class 2) (Thompspon_2013). At least one publication reports experimental evidence evaluating an impact on protein function. These results showed no damaging effect of this variant in the complete in vitro MMR activity (CIMRA) assay (example, Dorst_2020). Nine clinical diagnostic laboratories have submitted clinical-significance assessments for this variant to ClinVar after 2014 without evidence for independent evaluation. Multiple laboratories reported the variant with conflicting assessments (benign/likely benign, n=3; VUS, n=6). Based on the evidence outlined above, the variant was classified as VUS-possibly benign.

Sema4
Classification: Uncertain significance for Hereditary cancer-predisposing syndrome. Last evaluated: 2021-09-17. Review status: criteria provided, single submitter. Criteria: Sema4 Curation Guidelines. Collection method: curation. Allele origin: germline. Not counted in ClinVar's aggregate classification.
Comment: The MSH6 c.1019T>C (p.F340S) variant has been reported in heterozygosity in at least one individual with multiple cancers, including colorectal cancer, non-Hodgkin's lymphoma, and breast cancer, as well as in one individual with unmethylated dMMR endometrial tumors (PMID: 10699937, 32694065). This variant has also been identified in at least four individuals with breast cancer as well as unaffected controls (PMID: 33471991). This variant was observed in 2/35436 chromosomes in the Latino population according to the Genome Aggregation Database (PMID: 32461654), and has been reported in ClinVar (Variation ID: 89165). Functional studies have not been performed, and in silico predictions of the variant's effect on protein function are inconclusive. The evidence is insufficient to meet ACMG/AMP criteria for classifying the variant as benign or pathogenic. Thus, the clinical significance of this variant is currently uncertain.

NM_000179.3(MSH6):c.1019T>C (p.Phe340Ser)

Gene: MSH6 (mutS homolog 6; plus strand). Cytogenetic location: 2p16.3.
Variant type: single nucleotide variant.
Coding change: c.1019T>C on transcript NM_000179.3 (MANE Select); coding-DNA position 1019, T replaced by C.
Protein change: p.Phe340Ser; replaces phenylalanine 340 with serine.
Molecular consequence: missense variant.
Genome position (GRCh38, 1-based): chr2:47,799,002, T>C. VCF-style: chr2-47799002-T-C. GRCh37 (hg19) VCF-style: chr2-48026141-T-C.
Other names: p.F340S:TTC>TCC; c.629T>C, p.Phe210Ser (NM_001281492.2); c.113T>C, p.Phe38Ser (NM_001281493.2, NM_001281494.2); short protein forms F340S, F210S, F38S.
Identifiers: ClinVar variation 89165 (VCV000089165.38), dbSNP rs61753793, ClinGen allele CA007807.
Genomic context (GRCh38, chr2:47,799,002, plus strand): 5'-CCTCAGCCACCAAACAAGCAACTAGCATTTCATCAGAAACCAAGAATACTTTGAGAGCTT[T>C]CTCTGCCCCTCAAAATTCTGAATCCCAAGCCCACGTTAGTGGAGGTGGTGATGACAGTAG-3'
Protein context (NP_000170.1, residues 330-350): SSETKNTLRA[Phe340Ser]SAPQNSESQA